The following is an entry in ClinVar:

NM_000209.4(PDX1):c.296C>A (p.Pro99His)

Gene: PDX1 (pancreatic and duodenal homeobox 1; plus strand). Cytogenetic location: 13q12.2.
Variant type: single nucleotide variant.
Coding change: c.296C>A on transcript NM_000209.4 (MANE Select); coding-DNA position 296, C replaced by A.
Protein change: p.Pro99His; replaces proline 99 with histidine.
Molecular consequence: missense variant.
Genome position (GRCh38, 1-based): chr13:27,920,434, C>A. VCF-style: chr13-27920434-C-A. GRCh37 (hg19) VCF-style: chr13-28494571-C-A.
Other names: c.296C>A (NM_000209.3); short protein forms P99H.
Identifiers: ClinVar variation 1408111 (VCV001408111.13), dbSNP rs764870332, ClinGen allele CA6927609.

ClinVar aggregate classification (germline): Uncertain significance. Review status: criteria provided, multiple submitters, no conflicts (2 of 4 stars). 4 submissions from 4 submitters: Uncertain significance (4). Last evaluated 2026-08-28.

Conditions:
Type 2 diabetes mellitus. Also called: Type II diabetes mellitus. Identifiers: MedGen C0011860, MeSH D003924, MONDO:0005148, OMIM 125853, HP:0005978.
Maturity-onset diabetes of the young type 4 (MODY4). Also called: Maturity-onset diabetes of the young, type IV; MODY, type IV. Identifiers: Orphanet 552, MedGen C1833382, MONDO:0011667, OMIM 606392.
Pancreatic agenesis 1 (PAGEN1). Also called: PANCREATIC HYPOPLASIA, CONGENITAL. Identifiers: Orphanet 2805, MedGen C3891828, MONDO:0024547, OMIM 260370.

Allele frequency attached by ClinVar (database versions not stated): gnomAD exomes 0.00006 and 0.00015; TOPMed 0.00010; gnomAD 0.00013; ExAC 0.00021.

Submissions (4):

GeneDx
Classification: Uncertain significance. Last evaluated: 2026-08-28. Review status: criteria provided, single submitter. Criteria: GeneDx Variant Classification Process June 2021. Collection method: clinical testing. Allele origin: germline.
Comment: Reported in a patient with diabetes mellitus type 2 and the control group in published literature (PMID: 21569088); In silico analysis suggests that this missense variant does not alter protein structure/function; This variant is associated with the following publications: (PMID: 32041611, 21569088)

Labcorp Genetics (formerly Invitae), Labcorp
Classification: Uncertain significance. Last evaluated: 2024-04-15. Review status: criteria provided, single submitter. Criteria: Invitae Variant Classification Sherloc (09022015). Collection method: clinical testing. Allele origin: germline.
Comment: This sequence change replaces proline, which is neutral and non-polar, with histidine, which is basic and polar, at codon 99 of the PDX1 protein (p.Pro99His). This variant is present in population databases (rs764870332, gnomAD 0.01%). This missense change has been observed in individual(s) with clinical features of Type 2 diabetes and/or healthy controls (PMID: 21569088). ClinVar contains an entry for this variant (Variation ID: 1408111). Advanced modeling of protein sequence and biophysical properties (such as structural, functional, and spatial information, amino acid conservation, physicochemical variation, residue mobility, and thermodynamic stability) performed at Invitae indicates that this missense variant is not expected to disrupt PDX1 protein function with a negative predictive value of 80%. In summary, the available evidence is currently insufficient to determine the role of this variant in disease. Therefore, it has been classified as a Variant of Uncertain Significance.

Fulgent Genetics
Classification: Uncertain significance for Type 2 diabetes mellitus; Pancreatic agenesis 1; Maturity-onset diabetes of the young type 4. Last evaluated: 2024-04-04. Review status: criteria provided, single submitter. Criteria: ACMG Guidelines, 2015. Collection method: clinical testing. Allele origin: germline.

Athena Diagnostics
Classification: Uncertain significance. Last evaluated: 2024-01-12. Review status: criteria provided, single submitter. Criteria: Athena Diagnostics Criteria. Collection method: clinical testing. Allele origin: unknown.
Comment: Available data are insufficient to determine the clinical significance of the variant at this time. The frequency of this variant in the general population is uninformative in assessment of its pathogenicity. Computational tools disagree on the variant's effect on normal protein function.

Literature cited by the submitters: PubMed 21569088 (cited by Labcorp Genetics (formerly Invitae), Labcorp and Athena Diagnostics); PubMed 33046911 (cited by Athena Diagnostics).